The following is an entry in ClinVar:

NM_017780.4(CHD7):c.8023G>T (p.Glu2675Ter)

Gene: CHD7 (chromodomain helicase DNA binding protein 7; plus strand). Cytogenetic location: 8q12.2.
Variant type: single nucleotide variant.
Coding change: c.8023G>T on transcript NM_017780.4 (MANE Select); coding-DNA position 8023, G replaced by T.
Protein change: p.Glu2675Ter; replaces glutamic acid 2675 with a stop codon.
Molecular consequence: nonsense.
Genome position (GRCh38, 1-based): chr8:60,862,599, G>T. VCF-style: chr8-60862599-G-T. GRCh37 (hg19) VCF-style: chr8-61775158-G-T.
Other names: c.8023G>T (LRG_176t1); c.1876G>T, p.Glu626Ter (NM_001316690.1); short protein forms E2675*, E626*.
Identifiers: ClinVar variation 504190 (VCV000504190.10), dbSNP rs748504264, ClinGen allele CA371305876.

ClinVar aggregate classification (germline): Pathogenic. Review status: criteria provided, multiple submitters, no conflicts (2 of 4 stars). 3 submissions from 3 submitters: Pathogenic (3). Last evaluated 2019-07-05.

Conditions:
CHARGE syndrome (CHARGE). Also called: Hittner Hirsch Kreh syndrome; Coloboma, heart anomaly, choanal atresia, retardation, genital and ear anomalies; CHARGE association; Hall-Hittner syndrome; CHARGE ASSOCIATION--COLOBOMA, HEART ANOMALY, CHOANAL ATRESIA, RETARDATION, GENITAL AND EAR ANOMALIES. Identifiers: Orphanet 138, MedGen C0265354, MONDO:0008965.

Submissions (3):

Labcorp Genetics (formerly Invitae), Labcorp
Classification: Pathogenic for CHARGE syndrome. Last evaluated: 2019-07-05. Review status: criteria provided, single submitter. Criteria: Invitae Variant Classification Sherloc (09022015). Collection method: clinical testing. Allele origin: germline.
Comment: For these reasons, this variant has been classified as Pathogenic. Loss-of-function variants in CHD7 are known to be pathogenic (PMID: 22461308, 25077900). This variant has not been reported in the literature in individuals with CHD7-related conditions. ClinVar contains an entry for this variant (Variation ID: 504190). This variant is not present in population databases (ExAC no frequency). This sequence change creates a premature translational stop signal (p.Glu2675*) in the CHD7 gene. It is expected to result in an absent or disrupted protein product.

Mendelics
Classification: Pathogenic for CHD7-related CHARGE syndrome. Last evaluated: 2019-05-28. Review status: criteria provided, single submitter. Criteria: Mendelics Assertion Criteria 2017. Collection method: clinical testing. Allele origin: unknown.

GeneDx
Classification: Pathogenic. Last evaluated: 2018-02-06. Review status: criteria provided, single submitter. Criteria: GeneDx Variant Classification (06012015). Collection method: clinical testing. Allele origin: germline. Affected: yes.
Comment: The E2675X variant in the CHD7gene has not been reported previously as a pathogenic variant nor as a benign variant, to our knowledge. This variant is predicted to cause loss of normal protein function through protein truncation. The E2675X variant is not observed in large population cohorts (Lek et al., 2016). We interpret E2675X as a pathogenic variant

Literature cited by the submitters: PubMed 22461308 (cited by Labcorp Genetics (formerly Invitae), Labcorp); PubMed 25077900 (cited by Labcorp Genetics (formerly Invitae), Labcorp).